The following is an entry in ClinVar:

NM_001184880.2(PCDH19):c.360G>T (p.Lys120Asn)

Gene: PCDH19 (protocadherin 19; minus strand). Cytogenetic location: Xq22.1.
Variant type: single nucleotide variant.
Coding change: c.360G>T on transcript NM_001184880.2 (MANE Select); coding-DNA position 360, G replaced by T.
Protein change: p.Lys120Asn; replaces lysine 120 with asparagine.
Molecular consequence: missense variant.
Genome position (GRCh38, 1-based): chrX:100,408,238, C>A on the plus strand (G>T on the coding strand, the complement: PCDH19 is on the minus strand). VCF-style: chrX-100408238-C-A. GRCh37 (hg19) VCF-style: chrX-99663236-C-A.
Other names: c.360G>T, p.Lys120Asn (NM_001105243.2, NM_020766.3); short protein forms K120N.
Identifiers: ClinVar variation 1906574 (VCV001906574.5), dbSNP rs1214373921, ClinGen allele CA414010345.

ClinVar aggregate classification (germline): Uncertain significance (1 of 4 stars; one submission).

Conditions:
Developmental and epileptic encephalopathy, 9 (DEE9). Also called: JUBERG-HELLMAN SYNDROME; Early infantile epileptic encephalopathy 9; EPILEPSY, FEMALE-RESTRICTED, WITH MENTAL RETARDATION; PCDH19-Related X-Linked Female-Limited Epilepsy with Mental Retardation. Identifiers: Orphanet 101039, Orphanet 2076, MedGen C1848137, MONDO:0010246, OMIM 300088. Disease mechanism: loss of function.

Submission:

Labcorp Genetics (formerly Invitae), Labcorp
Classification: Uncertain significance for Developmental and epileptic encephalopathy, 9. Last evaluated: 2022-02-02. Review status: criteria provided, single submitter. Criteria: Invitae Variant Classification Sherloc (09022015). Collection method: clinical testing. Allele origin: germline.
Comment: In summary, the available evidence is currently insufficient to determine the role of this variant in disease. Therefore, it has been classified as a Variant of Uncertain Significance. Advanced modeling of protein sequence and biophysical properties (such as structural, functional, and spatial information, amino acid conservation, physicochemical variation, residue mobility, and thermodynamic stability) performed at Invitae indicates that this missense variant is not expected to disrupt PCDH19 protein function. This variant has not been reported in the literature in individuals affected with PCDH19-related conditions. This variant is not present in population databases (gnomAD no frequency). This sequence change replaces lysine, which is basic and polar, with asparagine, which is neutral and polar, at codon 120 of the PCDH19 protein (p.Lys120Asn).